The following is an entry in ClinVar:

ClinVar aggregate classification (germline): Likely benign. Review status: criteria provided, multiple submitters, no conflicts (2 of 4 stars). 2 submissions from 2 submitters: Likely benign (2). Last evaluated 2026-03-01.

Conditions:
Glycine encephalopathy. Also called: Non-ketotic hyperglycinemia; Nonketotic hyperglycinemia. Identifiers: Orphanet 407, MedGen C0751748, MONDO:0011612, HP:0008288.

Allele frequency attached by ClinVar (database versions not stated): TOPMed below 0.00001; ExAC 0.00001; gnomAD exomes 0.00001.
gnomAD v4.1: 12 of 1,613,712 alleles (0.00074%); highest among the groups gnomAD compares: Middle Eastern, 0.016%; no homozygotes.

Submissions (2):

CeGaT Center for Human Genetics Tuebingen
Classification: Likely benign. Last evaluated: 2026-03-01. Review status: criteria provided, single submitter. Criteria: CeGaT Center For Human Genetics Tuebingen Variant Classification Criteria Version 2. Collection method: clinical testing. Allele origin: germline. Affected: yes. Observed: 1 variant allele.
Comment: GLDC: BP4, BP7

Labcorp Genetics (formerly Invitae), Labcorp
Classification: Likely benign for Glycine encephalopathy. Last evaluated: 2024-02-26. Review status: criteria provided, single submitter. Criteria: Invitae Variant Classification Sherloc (09022015). Collection method: clinical testing. Allele origin: germline.

NM_000170.3(GLDC):c.357T>C (p.Thr119=)

Gene: GLDC (glycine decarboxylase; minus strand). Cytogenetic location: 9p24.1.
Variant type: single nucleotide variant.
Coding change: c.357T>C on transcript NM_000170.3 (MANE Select); coding-DNA position 357, T replaced by C.
Protein change: p.Thr119=; no amino-acid change (threonine 119 retained).
Molecular consequence: synonymous variant.
Genome position (GRCh38, 1-based): chr9:6,620,297, A>G on the plus strand (T>C on the coding strand, the complement: GLDC is on the minus strand). VCF-style: chr9-6620297-A-G. GRCh37 (hg19) VCF-style: chr9-6620297-A-G.
Identifiers: ClinVar variation 1110196 (VCV001110196.13), dbSNP rs777954190, ClinGen allele CA4981174.